The following is an entry in ClinVar:

ClinVar aggregate classification (germline): Benign/Likely benign. Review status: criteria provided, multiple submitters, no conflicts (2 of 4 stars). 2 submissions from 2 submitters: Benign (1); Likely benign (1). Last evaluated 2025-06-05.

Conditions:
Tuberous sclerosis 2 (TSC2). Identifiers: Orphanet 805, MedGen C1860707, MONDO:0013199, OMIM 613254.

Submissions (2):

Myriad Genetics, Inc.
Classification: Benign for Tuberous sclerosis 2. Last evaluated: 2025-06-05. Review status: criteria provided, single submitter. Criteria: Myriad Autosomal Dominant, Autosomal Recessive and X-Linked Classification Criteria (2023). Collection method: clinical testing. Allele origin: unknown.
Comment: This variant is considered benign. This variant is a silent/synonymous amino acid change and it is not expected to impact splicing.

Labcorp Genetics (formerly Invitae), Labcorp
Classification: Likely benign for Tuberous sclerosis 2. Last evaluated: 2025-01-29. Review status: criteria provided, single submitter. Criteria: Invitae Variant Classification Sherloc (09022015). Collection method: clinical testing. Allele origin: germline.

NM_000548.5(TSC2):c.4788C>G (p.Gly1596=)

Gene: TSC2 (TSC complex subunit 2; plus strand). Cytogenetic location: 16p13.3.
Variant type: single nucleotide variant.
Coding change: c.4788C>G on transcript NM_000548.5 (MANE Select); coding-DNA position 4788, C replaced by G.
Protein change: p.Gly1596=; no amino-acid change (glycine 1596 retained).
Molecular consequence: synonymous variant.
Genome position (GRCh38, 1-based): chr16:2,086,318, C>G. VCF-style: chr16-2086318-C-G. GRCh37 (hg19) VCF-style: chr16-2136319-C-G.
Other names: c.4587C>G, p.Gly1529= (NM_001077183.3); c.4719C>G, p.Gly1573= (NM_001114382.3); c.4479C>G, p.Gly1493= (NM_001318827.2); c.4443C>G, p.Gly1481= (NM_001318829.2); c.4056C>G, p.Gly1352= (NM_001318831.2); c.4620C>G, p.Gly1540= (NM_001318832.2); c.4590C>G, p.Gly1530= (NM_001363528.2); c.4656C>G, p.Gly1552= (NM_001370404.1); and 1 more.
Identifiers: ClinVar variation 1605649 (VCV001605649.9), dbSNP rs1596439233, ClinGen allele CA493043570.